The following is an entry in ClinVar:

ClinVar aggregate classification (germline): Uncertain significance (1 of 4 stars; one submission).

Conditions:
Developmental and epileptic encephalopathy, 33 (DEE33). Also called: Epileptic encephalopathy, early infantile, 33. Identifiers: Orphanet 442835, MedGen C4225337, MONDO:0014625, OMIM 616409.

Allele frequency attached by ClinVar (database versions not stated): gnomAD exomes below 0.00001.
gnomAD v4.1: 2 of 1,610,092 alleles (0.00012%); highest among the groups gnomAD compares: South Asian, 0.0011%; no homozygotes.

Submission:

Labcorp Genetics (formerly Invitae), Labcorp
Classification: Uncertain significance for Developmental and epileptic encephalopathy, 33. Last evaluated: 2021-02-19. Review status: criteria provided, single submitter. Criteria: Invitae Variant Classification Sherloc (09022015). Collection method: clinical testing. Allele origin: germline.
Comment: Algorithms developed to predict the effect of missense changes on protein structure and function are either unavailable or do not agree on the potential impact of this missense change (SIFT: "Not Available"; PolyPhen-2: "Benign"; Align-GVGD: "Not Available"). In summary, the available evidence is currently insufficient to determine the role of this variant in disease. Therefore, it has been classified as a Variant of Uncertain Significance. This variant has not been reported in the literature in individuals with EEF1A2-related conditions. This variant is not present in population databases (ExAC no frequency). This sequence change replaces methionine with threonine at codon 276 of the EEF1A2 protein (p.Met276Thr). The methionine residue is highly conserved and there is a moderate physicochemical difference between methionine and threonine.

NM_001958.5(EEF1A2):c.827T>C (p.Met276Thr)

Gene: EEF1A2 (eukaryotic translation elongation factor 1 alpha 2; minus strand). Cytogenetic location: 20q13.33.
Variant type: single nucleotide variant.
Coding change: c.827T>C on transcript NM_001958.5 (MANE Select); coding-DNA position 827, T replaced by C.
Protein change: p.Met276Thr; replaces methionine 276 with threonine.
Molecular consequence: missense variant.
Genome position (GRCh38, 1-based): chr20:63,490,681, A>G on the plus strand (T>C on the coding strand, the complement: EEF1A2 is on the minus strand). VCF-style: chr20-63490681-A-G. GRCh37 (hg19) VCF-style: chr20-62122034-A-G.
Other names: short protein forms M276T.
Identifiers: ClinVar variation 1410708 (VCV001410708.6), dbSNP rs2145940159, ClinGen allele CA409647931.